The following is an entry in ClinVar:

NM_006767.4(LZTR1):c.2032C>T (p.Arg678Trp)

Gene: LZTR1 (leucine zipper like post translational regulator 1; plus strand). Cytogenetic location: 22q11.21.
Variant type: single nucleotide variant.
Coding change: c.2032C>T on transcript NM_006767.4 (MANE Select); coding-DNA position 2032, C replaced by T.
Protein change: p.Arg678Trp; replaces arginine 678 with tryptophan.
Molecular consequence: missense variant.
Genome position (GRCh38, 1-based): chr22:20,995,835, C>T. VCF-style: chr22-20995835-C-T. GRCh37 (hg19) VCF-style: chr22-21350124-C-T.
Other names: short protein forms R678W.
Identifiers: ClinVar variation 1364777 (VCV001364777.14), dbSNP rs780217270, ClinGen allele CA10119203.
Genomic context (GRCh38, chr22:20,995,835, plus strand): 5'-TACCTGGAGGGAGCGGGCGCGGAATTCTGTGACATCACTCTGTTGCTTGACGGGCACCCA[C>T]GGCCAGCCCACAAGGCTATCCTGGCCGCCCGCTCCAGGTGGGTGGGGGCTGGACAGGAGG-3'
Protein context (NP_006758.2, residues 668-688): DITLLLDGHP[Arg678Trp]PAHKAILAAR

ClinVar aggregate classification (germline): Uncertain significance. Review status: criteria provided, multiple submitters, no conflicts (2 of 4 stars). 4 submissions from 4 submitters: Uncertain significance (4). Last evaluated 2026-01-16.

Conditions:
LZTR1-related schwannomatosis. Also called: Schwannomatosis 2; Schwannomatosis-2, susceptibility to. Identifiers: Orphanet 93921, MedGen C3810283, MONDO:0014299, OMIM 615670.
Cardiovascular phenotype. Identifiers: MedGen CN230736.
Hereditary cancer-predisposing syndrome. Also called: Neoplastic Syndromes, Hereditary; Hereditary Cancer Syndrome; Tumor predisposition; Hereditary neoplastic syndrome. Identifiers: Orphanet 140162, MedGen C0027672, MeSH D009386, MONDO:0015356.

Allele frequency attached by ClinVar (database versions not stated): TOPMed 0.00002; gnomAD exomes 0.00001; gnomAD 0.00003 and 0.00004; ExAC 0.00002.

Submissions (4):

Labcorp Genetics (formerly Invitae), Labcorp
Classification: Uncertain significance. Last evaluated: 2026-01-16. Review status: criteria provided, single submitter. Criteria: Invitae Variant Classification Sherloc (09022015). Collection method: clinical testing. Allele origin: germline.
Comment: This sequence change replaces arginine, which is basic and polar, with tryptophan, which is neutral and slightly polar, at codon 678 of the LZTR1 protein (p.Arg678Trp). This variant is present in population databases (rs780217270, gnomAD 0.002%). This variant has not been reported in the literature in individuals affected with LZTR1-related conditions. ClinVar contains an entry for this variant (Variation ID: 1364777). Invitae Evidence Modeling of protein sequence and biophysical properties (such as structural, functional, and spatial information, amino acid conservation, physicochemical variation, residue mobility, and thermodynamic stability) indicates that this missense variant is not expected to disrupt LZTR1 protein function with a negative predictive value of 80%. In summary, the available evidence is currently insufficient to determine the role of this variant in disease. Therefore, it has been classified as a Variant of Uncertain Significance.

Ambry Genetics
Classification: Uncertain significance for Cardiovascular phenotype; Hereditary cancer-predisposing syndrome. Last evaluated: 2024-10-14. Review status: criteria provided, single submitter. Criteria: Ambry Variant Classification Scheme 2023. Collection method: clinical testing. Allele origin: germline.
Comment: The p.R678W variant (also known as c.2032C>T), located in coding exon 17 of the LZTR1 gene, results from a C to T substitution at nucleotide position 2032. The arginine at codon 678 is replaced by tryptophan, an amino acid with dissimilar properties. This amino acid position is highly conserved in available vertebrate species. In addition, the in silico prediction for this alteration is inconclusive. Based on the available evidence, the clinical significance of this variant remains unclear.

Baylor Genetics
Classification: Uncertain significance for LZTR1-related schwannomatosis. Last evaluated: 2023-08-07. Review status: criteria provided, single submitter. Criteria: ACMG Guidelines, 2015. Collection method: clinical testing. Allele origin: unknown.

GeneDx
Classification: Uncertain significance. Last evaluated: 2023-01-17. Review status: criteria provided, single submitter. Criteria: GeneDx Variant Classification Process June 2021. Collection method: clinical testing. Allele origin: germline.
Comment: Not observed at significant frequency in large population cohorts (gnomAD); In silico analysis supports that this missense variant does not alter protein structure/function; Has not been previously published as pathogenic or benign to our knowledge